The following is an entry in ClinVar:

NM_003000.3(SDHB):c.598dup (p.Trp200fs)

Gene: SDHB (succinate dehydrogenase complex iron sulfur subunit B; minus strand). Cytogenetic location: 1p36.13.
Variant type: Duplication.
Coding change: c.598dup on transcript NM_003000.3 (MANE Select); coding-DNA position 598, one base duplicated (T; older notation c.598dupT).
Protein change: p.Trp200fs; shifts the reading frame from tryptophan 200.
Molecular consequence: frameshift variant.
Genome position (GRCh38, 1-based): chr1:17,024,017, A duplicated on the plus strand (T on the coding strand, the reverse complement: SDHB is on the minus strand). VCF-style (leftmost placement, unchanged base first): chr1-17024016-C-CA. GRCh37 (hg19) VCF-style: chr1-17350511-C-CA.
Other names: c.598_599insT (NM_003000.2); short protein forms W200fs.
Identifiers: ClinVar variation 1425395 (VCV001425395.7), dbSNP rs2101516417, ClinGen allele CA2573130774.
Genomic context (GRCh38, chr1:17,024,016, plus strand): 5'-ATTAAGGAGCACCTCACCTGCATAAGAACTGCAGGCCCCAGATATTTGTCTCCGTTCCAC[C>CA]AGTAGCTGGGGCAGCTGGTGCTACAGCAGGCACAGAGAATGCACTCGTAGAGCCCGTCCT-3'

ClinVar aggregate classification (germline): Pathogenic/Likely pathogenic. Review status: criteria provided, multiple submitters, no conflicts (2 of 4 stars). 2 submissions from 2 submitters: Pathogenic (1); Likely pathogenic (1). Last evaluated 2023-07-07.

Conditions:
Pheochromocytoma. Also called: MAX-Related Hereditary Paraganglioma-Pheochromocytoma Syndrome. Identifiers: Orphanet 29072, MedGen C0031511, MONDO:0008233, OMIM 171300, HP:0002666.
Pheochromocytoma/paraganglioma syndrome 4. Also called: CAROTID BODY TUMORS AND MULTIPLE EXTRAADRENAL PHEOCHROMOCYTOMAS; PARAGANGLIOMA, FAMILIAL MALIGNANT; PARAGANGLIOMAS, HEREDITARY EXTRAADRENAL; PHEOCHROMOCYTOMA, FAMILIAL EXTRAADRENAL; Paragangliomas 4; SDHB-Related Hereditary Paraganglioma-Pheochromocytoma Syndrome (Paragangliomas 4). Identifiers: Orphanet 29072, MedGen C1861848, MONDO:0007273, OMIM 115310.
Gastrointestinal stromal tumor. Also called: Gastrointestinal stroma tumor; Gastrointestinal stromal tumor, somatic. Identifiers: Orphanet 44890, MedGen C0238198, MeSH D046152, MONDO:0011719, OMIM 606764, HP:0100723.

Submissions (2):

KCCC/NGS Laboratory, Kuwait Cancer Control Center
Classification: Likely pathogenic for Pheochromocytoma/paraganglioma syndrome 4. Last evaluated: 2023-07-07. Review status: criteria provided, single submitter. Criteria: ACMG Guidelines, 2015. Collection method: clinical testing. Allele origin: unknown. Affected: yes.
Comment: This insertion of one nucleotide in SDHB results in a truncated protein, p.Trp200LeufsTer22 (W200Lfs*22). Using alternate nomenclature, this variant is also known as SDHB c.598dupT. The duplication causes a frameshift, which changes Tryptophan to Leucine at codon 200 and creates a premature stop codon at position 22 downstream. This variant is predicted to cause loss of normal protein function through either protein truncation or nonsense-mediated mRNA decay. This variant has not been reported in individuals with cancer as far as we know. This variant does not have a ClinVar entry. In-silico predictions show this variant to be deleterious. This variant is not present in the population database gnomAD. Therefore, this variant is classified as likely pathogenic.

Labcorp Genetics (formerly Invitae), Labcorp
Classification: Pathogenic for Gastrointestinal stromal tumor; Pheochromocytoma/paraganglioma syndrome 4; Pheochromocytoma. Last evaluated: 2021-06-02. Review status: criteria provided, single submitter. Criteria: Invitae Variant Classification Sherloc (09022015). Collection method: clinical testing. Allele origin: germline.
Comment: This sequence change creates a premature translational stop signal (p.Trp200Leufs*22) in the SDHB gene. It is expected to result in an absent or disrupted protein product. Loss-of-function variants in SDHB are known to be pathogenic (PMID: 19454582, 19802898). This variant is not present in population databases (ExAC no frequency). This variant has not been reported in the literature in individuals with SDHB-related conditions. For these reasons, this variant has been classified as Pathogenic.

Literature cited by the submitters: PubMed 19454582 (cited by Labcorp Genetics (formerly Invitae), Labcorp); PubMed 19802898 (cited by Labcorp Genetics (formerly Invitae), Labcorp).